The following is an entry in ClinVar:

ClinVar aggregate classification (germline): Uncertain significance (1 of 4 stars; one submission).

Conditions:
Neuropathy, hereditary sensory, type 1F. Also called: Hereditary sensory neuropathy type IF; HSN IF. Identifiers: Orphanet 36386, MedGen C3810194, MONDO:0014286, OMIM 615632.

gnomAD v4.1: 1 of 1,614,066 alleles (0.000062%); no homozygotes.

Submission:

Labcorp Genetics (formerly Invitae), Labcorp
Classification: Uncertain significance for Neuropathy, hereditary sensory, type 1F. Last evaluated: 2019-02-01. Review status: criteria provided, single submitter. Criteria: Invitae Variant Classification Sherloc (09022015). Collection method: clinical testing. Allele origin: germline.
Comment: In summary, the available evidence is currently insufficient to determine the role of this variant in disease. Therefore, it has been classified as a Variant of Uncertain Significance. Algorithms developed to predict the effect of missense changes on protein structure and function are either unavailable or do not agree on the potential impact of this missense change (SIFT: "Deleterious"; PolyPhen-2: "Possibly Damaging"; Align-GVGD: "Class C0"). This variant has not been reported in the literature in individuals with ATL3-related conditions. This variant is not present in population databases (ExAC no frequency). This sequence change replaces arginine with histidine at codon 497 of the ATL3 protein (p.Arg497His). The arginine residue is highly conserved and there is a small physicochemical difference between arginine and histidine.

NM_015459.5(ATL3):c.1490G>A (p.Arg497His)

Genes: ATL3 (atlastin GTPase 3; minus strand), LNCROPM (lncRNA regulator of PLAAT3 mediated phospholipid metabolism; plus strand). Cytogenetic location: 11q13.1.
Variant type: single nucleotide variant.
Coding change: c.1490G>A on transcript NM_015459.5 (MANE Select); coding-DNA position 1490, G replaced by A.
Protein change: p.Arg497His; replaces arginine 497 with histidine.
Molecular consequence: missense variant.
Genome position (GRCh38, 1-based): chr11:63,631,089, C>T on the plus strand (G>A on the coding strand, the complement: ATL3 is on the minus strand). VCF-style: chr11-63631089-C-T. GRCh37 (hg19) VCF-style: chr11-63398561-C-T.
Other names: c.1436G>A, p.Arg479His (NM_001290048.2); short protein forms R479H, R497H.
Identifiers: ClinVar variation 845302 (VCV000845302.9), dbSNP rs1326950681, ClinGen allele CA381024834.